The following is an entry in ClinVar:

NM_002224.4(ITPR3):c.6145G>A (p.Val2049Met)

Gene: ITPR3 (inositol 1,4,5-trisphosphate receptor type 3; plus strand). Cytogenetic location: 6p21.31.
Variant type: single nucleotide variant.
Coding change: c.6145G>A on transcript NM_002224.4 (MANE Select); coding-DNA position 6145, G replaced by A.
Protein change: p.Val2049Met; replaces valine 2049 with methionine.
Molecular consequence: missense variant.
Genome position (GRCh38, 1-based): chr6:33,687,295, G>A. VCF-style: chr6-33687295-G-A. GRCh37 (hg19) VCF-style: chr6-33655072-G-A.
Other names: short protein forms V2049M.
Identifiers: ClinVar variation 4689958 (VCV004689958.1).

ClinVar aggregate classification (germline): Uncertain significance (1 of 4 stars; one submission).

Submission:

GeneDx
Classification: Uncertain significance. Last evaluated: 2025-07-30. Review status: criteria provided, single submitter. Criteria: GeneDx Variant Classification Process June 2021. Collection method: clinical testing. Allele origin: germline. Affected: yes.
Comment: Not observed at significant frequency in large population cohorts (gnomAD); In silico analysis supports that this missense variant has a deleterious effect on protein structure/function; Has not been previously published as pathogenic or benign to our knowledge